The following is an entry in ClinVar:

ClinVar aggregate classification (germline): Uncertain significance (1 of 4 stars; one submission).

Conditions:
Developmental and epileptic encephalopathy, 25 (DEE25). Also called: Epileptic encephalopathy, early infantile, 25; Developmental and epileptic encephalopathy 25, with amelogenesis imperfecta; Epileptic encephalopathy, early infantile, 25, with amelogenesis imperfecta. Identifiers: Orphanet 442835, MedGen C4014621, MONDO:0014392, OMIM 615905.

Allele frequency attached by ClinVar (database versions not stated): gnomAD exomes below 0.00001 and 0.00001; ExAC 0.00001; gnomAD 0.00001; TOPMed 0.00001.
gnomAD v4.1: 6 of 1,613,876 alleles (0.00037%); highest among the groups gnomAD compares: East Asian, 0.013%; no homozygotes.

Submission:

Labcorp Genetics (formerly Invitae), Labcorp
Classification: Uncertain significance for Developmental and epileptic encephalopathy, 25. Last evaluated: 2019-10-03. Review status: criteria provided, single submitter. Criteria: Invitae Variant Classification Sherloc (09022015). Collection method: clinical testing. Allele origin: germline.
Comment: In summary, the available evidence is currently insufficient to determine the role of this variant in disease. Therefore, it has been classified as a Variant of Uncertain Significance. Algorithms developed to predict the effect of missense changes on protein structure and function (SIFT, PolyPhen-2, Align-GVGD) all suggest that this variant is likely to be tolerated, but these predictions have not been confirmed by published functional studies and their clinical significance is uncertain. This variant has not been reported in the literature in individuals with SLC13A5-related conditions. This variant is present in population databases (rs747576233, ExAC 0.01%). This sequence change replaces asparagine with aspartic acid at codon 238 of the SLC13A5 protein (p.Asn238Asp). The asparagine residue is weakly conserved and there is a small physicochemical difference between asparagine and aspartic acid.

NM_177550.5(SLC13A5):c.712A>G (p.Asn238Asp)

Gene: SLC13A5 (solute carrier family 13 member 5; minus strand). Cytogenetic location: 17p13.1.
Variant type: single nucleotide variant.
Coding change: c.712A>G on transcript NM_177550.5 (MANE Select); coding-DNA position 712, A replaced by G.
Protein change: p.Asn238Asp; replaces asparagine 238 with aspartic acid.
Molecular consequence: missense variant.
Genome position (GRCh38, 1-based): chr17:6,702,974, T>C on the plus strand (A>G on the coding strand, the complement: SLC13A5 is on the minus strand). VCF-style: chr17-6702974-T-C. GRCh37 (hg19) VCF-style: chr17-6606293-T-C.
Other names: c.712A>G, p.Asn238Asp (NM_001143838.3); c.661A>G, p.Asn221Asp (NM_001284509.2); c.583A>G, p.Asn195Asp (NM_001284510.2); short protein forms N195D, N221D, N238D.
Identifiers: ClinVar variation 937501 (VCV000937501.10), dbSNP rs747576233, ClinGen allele CA8331640.
Genomic context (GRCh38, chr17:6,702,974, plus strand): 5'-CCCTCCAGCCCCGGTACCCACTTCGTTGTCCCCAGAAGGTGCGACCAAGGACTCACTCGT[T>C]CATCTGGCCCAGGAGCACCACGTTGGGTCCCGTCCCGGTCAGGGTGGCGGTGCCCCCGAT-3'
Protein context (NP_808218.1, residues 228-248): GPNVVLLGQM[Asn238Asp]ELFPDSKDLV